The following is an entry in ClinVar:

ClinVar aggregate classification (germline): Uncertain significance (1 of 4 stars; one submission).

Conditions:
Inborn genetic diseases. Identifiers: MedGen C0950123, MeSH D030342.

Submission:

Ambry Genetics
Classification: Uncertain significance for Inborn genetic diseases. Last evaluated: 2025-10-05. Review status: criteria provided, single submitter. Criteria: Ambry Variant Classification Scheme 2023. Collection method: clinical testing. Allele origin: germline.
Comment: The p.L1526V variant (also known as c.4576C>G), located in coding exon 1 of the SAMD9 gene, results from a C to G substitution at nucleotide position 4576. The leucine at codon 1526 is replaced by valine, an amino acid with highly similar properties. This amino acid position is conserved. In addition, this alteration is predicted to be tolerated by in silico analysis. Based on the available evidence, the clinical significance of this variant remains unclear.

NM_017654.4(SAMD9):c.4576C>G (p.Leu1526Val)

Gene: SAMD9 (sterile alpha motif domain containing 9; minus strand). Cytogenetic location: 7q21.2.
Variant type: single nucleotide variant.
Coding change: c.4576C>G on transcript NM_017654.4 (MANE Select); coding-DNA position 4576, C replaced by G.
Protein change: p.Leu1526Val; replaces leucine 1526 with valine.
Molecular consequence: missense variant.
Genome position (GRCh38, 1-based): chr7:93,101,522, G>C on the plus strand (C>G on the coding strand, the complement: SAMD9 is on the minus strand). VCF-style: chr7-93101522-G-C. GRCh37 (hg19) VCF-style: chr7-92730835-G-C.
Other names: c.4576C>G, p.Leu1526Val (NM_001193307.2); short protein forms L1526V.
Identifiers: ClinVar variation 4629850 (VCV004629850.1).